The following is an entry in ClinVar:

ClinVar aggregate classification (germline): Pathogenic (1 of 4 stars; one submission).

Submission:

Labcorp Genetics (formerly Invitae), Labcorp
Classification: Pathogenic. Last evaluated: 2022-06-23. Review status: criteria provided, single submitter. Criteria: Invitae Variant Classification Sherloc (09022015). Collection method: clinical testing. Allele origin: germline.
Comment: For these reasons, this variant has been classified as Pathogenic. This variant has not been reported in the literature in individuals affected with CERKL-related conditions. This variant is a gross deletion of the genomic region encompassing exon(s) 4-5 of the CERKL gene. This deletion is out-of-frame, and is expected to create a premature termination codon and result in an absent or disrupted protein product. Loss-of-function variants in CERKL are known to be pathogenic (PMID: 14681825, 23591405, 24043777).

Literature cited by the submitters: PubMed 14681825; PubMed 23591405; PubMed 24043777.

NC_000002.12:g.(?_181565423)_(181566131_?)del

Gene: CERKL (ceramide kinase like; minus strand). Cytogenetic location: 2q31.3.
Variant type: Deletion.
Identifiers: ClinVar variation 830611 (VCV000830611.3).